The following is an entry in ClinVar:

ClinVar aggregate classification (germline): Uncertain significance. Review status: criteria provided, multiple submitters, no conflicts (2 of 4 stars). 2 submissions from 2 submitters: Uncertain significance (2). Last evaluated 2024-06-13.

Conditions:
Bethlem myopathy 1A. Also called: Bethlem Muscular Dystrophy; MYOPATHY, BENIGN CONGENITAL, WITH CONTRACTURES; Bethlem myopathy 1. Identifiers: Orphanet 610, MedGen CN029274, MONDO:0024530, OMIM 158810.

Allele frequency attached by ClinVar (database versions not stated): gnomAD exomes below 0.00001.
gnomAD v4.1: 6 of 1,614,176 alleles (0.00037%); highest among the groups gnomAD compares: Non-Finnish European, 0.00051%; no homozygotes.

Submissions (2):

Labcorp Genetics (formerly Invitae), Labcorp
Classification: Uncertain significance for Bethlem myopathy 1A. Last evaluated: 2024-06-13. Review status: criteria provided, single submitter. Criteria: Invitae Variant Classification Sherloc (09022015). Collection method: clinical testing. Allele origin: germline.
Comment: This sequence change replaces arginine, which is basic and polar, with cysteine, which is neutral and slightly polar, at codon 955 of the COL6A3 protein (p.Arg955Cys). This variant is not present in population databases (gnomAD no frequency). This missense change has been observed in individual(s) with limb-girdle muscular dystrophy (PMID: 30564623). Advanced modeling of protein sequence and biophysical properties (such as structural, functional, and spatial information, amino acid conservation, physicochemical variation, residue mobility, and thermodynamic stability) performed at Invitae indicates that this missense variant is not expected to disrupt COL6A3 protein function with a negative predictive value of 80%. In summary, the available evidence is currently insufficient to determine the role of this variant in disease. Therefore, it has been classified as a Variant of Uncertain Significance.

Eurofins Ntd Llc (ga)
Classification: Uncertain significance. Last evaluated: 2016-04-29. Review status: criteria provided, single submitter. Criteria: EGL Classification Definitions 2015. Collection method: clinical testing. Allele origin: germline. Observed: 1 variant allele, 1 heterozygote.

Literature cited by the submitters: PubMed 30564623 (cited by Labcorp Genetics (formerly Invitae), Labcorp).

NM_004369.4(COL6A3):c.2863C>T (p.Arg955Cys)

Gene: COL6A3 (collagen type VI alpha 3 chain; minus strand). Cytogenetic location: 2q37.3.
Variant type: single nucleotide variant.
Coding change: c.2863C>T on transcript NM_004369.4 (MANE Select); coding-DNA position 2863, C replaced by T.
Protein change: p.Arg955Cys; replaces arginine 955 with cysteine.
Molecular consequence: missense variant.
Genome position (GRCh38, 1-based): chr2:237,376,979, G>A on the plus strand (C>T on the coding strand, the complement: COL6A3 is on the minus strand). VCF-style: chr2-237376979-G-A. GRCh37 (hg19) VCF-style: chr2-238285622-G-A.
Other names: c.1642C>T, p.Arg548Cys (NM_057164.5); c.2245C>T, p.Arg749Cys (NM_057165.5, NM_057167.4); c.1042C>T, p.Arg348Cys (NM_057166.5); short protein forms R955C, R548C, R749C, R348C.
Identifiers: ClinVar variation 287814 (VCV000287814.10), dbSNP rs886043736, ClinGen allele CA10605882.
Genomic context (GRCh38, chr2:237,376,979, plus strand): 5'-CTTGGAAGATGAAAGGCACAACCCCACTCTGCTTCAGGTTACTTGCTGGCCCATCCACAC[G>A]GTCAGATGACCTTCCTGCGACCAGCAGCACCAGGAACTGAAGCACTCCATCCTCGATCCG-3'
Protein context (NP_004360.2, residues 945-965): VLLVAGRSSD[Arg955Cys]VDGPASNLKQ